The following is an entry in ClinVar:

ClinVar aggregate classification (germline): Benign. Review status: criteria provided, multiple submitters, no conflicts (2 of 4 stars). 22 submissions from 22 submitters: Benign (18). 4 of the submissions do not count toward it. Last evaluated 2026-02-04.

Conditions:
Thoracic aortic aneurysm. Also called: Aneurysm of thoracic aorta. Identifiers: MedGen C0162872, MONDO:0005396, HP:0012727.
Familial thoracic aortic aneurysm and aortic dissection (TAAD). Also called: Thoracic aortic aneurysms and dissections. Identifiers: Orphanet 91387, MedGen C4707243, MONDO:0019625.
Aneurysm-osteoarthritis syndrome. Also called: SMAD3-Related Loeys-Dietz Syndrome; ANEURYSMS-OSTEOARTHRITIS SYNDROME; Loeys-Dietz syndrome, type 1C; LOEYS-DIETZ SYNDROME WITH OSTEOARTHRITIS. Identifiers: Orphanet 284984, MedGen C3151087, MONDO:0013426, OMIM 613795.

Allele frequency attached by ClinVar (database versions not stated): 1000 Genomes Project 30x 0.83745; ExAC 0.86352; gnomAD exomes 0.86684 and 0.87545; gnomAD 0.87021 and 0.87365; TOPMed 0.87821; ESP Exome Variant Server 0.88000; 1000 Genomes Project 0.83407.
gnomAD v4.1: 1,411,639 of 1,614,074 alleles (87%); highest among the groups gnomAD compares: Admixed American, 93%; 618,151 homozygotes.

Submissions (22):

Labcorp Genetics (formerly Invitae), Labcorp
Classification: Benign for Familial thoracic aortic aneurysm and aortic dissection. Last evaluated: 2026-02-04. Review status: criteria provided, single submitter. Criteria: Invitae Variant Classification Sherloc (09022015). Collection method: clinical testing. Allele origin: germline.

ARUP Laboratories, Molecular Genetics and Genomics, ARUP Laboratories
Classification: Benign for Aneurysm-osteoarthritis syndrome. Last evaluated: 2025-07-29. Review status: criteria provided, single submitter. Criteria: ARUP Molecular Germline Variant Investigation Process 2024. Collection method: clinical testing. Allele origin: germline.

Blueprint Genetics
Classification: Benign. Last evaluated: 2024-11-27. Review status: criteria provided, single submitter. Criteria: ACMG Guidelines, 2015. Collection method: clinical testing. Allele origin: germline.

All of Us Research Program, National Institutes of Health
Classification: Benign for Aneurysm-osteoarthritis syndrome. Last evaluated: 2024-10-03. Review status: criteria provided, single submitter. Criteria: ACMG Guidelines, 2015. Collection method: clinical testing. Allele origin: germline. Inheritance: Autosomal dominant inheritance. Observed: 141,251 variant alleles, 29,669 heterozygotes, 111,551 homozygotes, 31 hemizygotes.
Comment: This study involves interpretation of variants in research participants for the purpose of population health screening. Participant phenotype was not available at the time of variant classification. Additional details can be found in publication PMID: 35346344, PMCID: PMC8962531

Genome-Nilou Lab
Classification: Benign for Aneurysm-osteoarthritis syndrome. Last evaluated: 2021-07-15. Review status: criteria provided, single submitter. Criteria: ACMG Guidelines, 2015. Collection method: clinical testing. Allele origin: germline. Affected: no.

Women's Health and Genetics/Laboratory Corporation of America, LabCorp
Classification: Benign. Last evaluated: 2019-08-09. Review status: criteria provided, single submitter. Criteria: LabCorp Variant Classification Summary - May 2015. Collection method: clinical testing. Allele origin: germline.

Mendelics
Classification: Benign for Aneurysm-osteoarthritis syndrome. Last evaluated: 2019-05-28. Review status: criteria provided, single submitter. Criteria: Mendelics Assertion Criteria 2017. Collection method: clinical testing. Allele origin: unknown.

CHEO Genetics Diagnostic Laboratory, Children's Hospital of Eastern Ontario
Classification: Benign for Familial thoracic aortic aneurysm and aortic dissection. Last evaluated: 2019-05-09. Review status: criteria provided, single submitter. Criteria: ACMG Guidelines, 2015. Collection method: clinical testing. Allele origin: germline.

Color Diagnostics, LLC DBA Color Health
Classification: Benign for Familial thoracic aortic aneurysm and aortic dissection. Last evaluated: 2018-03-16. Review status: criteria provided, single submitter. Criteria: ACMG Guidelines, 2015. Collection method: clinical testing. Allele origin: germline.

Illumina Laboratory Services, Illumina
Classification: Benign for Aneurysm-osteoarthritis syndrome. Last evaluated: 2018-01-13. Review status: criteria provided, single submitter. Criteria: ICSL Variant Classification Criteria 13 December 2019. Collection method: clinical testing. Allele origin: germline.
Comment: This variant was observed in the ICSL laboratory as part of a predisposition screen in an ostensibly healthy population. It had not been previously curated by ICSL or reported in the Human Gene Mutation Database (HGMD: prior to June 1st, 2018), and was therefore a candidate for classification through an automated scoring system. Utilizing variant allele frequency, disease prevalence and penetrance estimates, and inheritance mode, an automated score was calculated to assess if this variant is too frequent to cause the disease. Based on the score and internal cut-off values, a variant classified as benign is not then subjected to further curation. The score for this variant resulted in a classification of benign for this disease.

Molecular Diagnostic Laboratory for Inherited Cardiovascular Disease, Montreal Heart Institute
Classification: Benign. Last evaluated: 2015-11-30. Review status: criteria provided, single submitter. Criteria: ACMG Guidelines, 2015. Collection method: clinical testing. Allele origin: germline. Affected: yes.

Eurofins Ntd Llc (ga)
Classification: Benign. Last evaluated: 2015-07-17. Review status: criteria provided, single submitter. Criteria: EGL Classification Definitions 2015. Collection method: clinical testing. Allele origin: germline. Observed: 2 variant alleles, 2 homozygotes.

Ambry Genetics
Classification: Benign for Familial thoracic aortic aneurysm and aortic dissection. Last evaluated: 2014-11-19. Review status: criteria provided, single submitter. Criteria: Ambry Variant Classification Scheme 2023. Collection method: clinical testing. Allele origin: germline.

Mayo Clinic Laboratories, Mayo Clinic
Classification: Benign. Last evaluated: 2014-02-05. Review status: criteria provided, single submitter. Criteria: ACMG Guidelines, 2015. Collection method: clinical testing. Allele origin: germline. Observed: 1,746 variant alleles.

Laboratory for Molecular Medicine, Mass General Brigham Personalized Medicine
Classification: Benign. Last evaluated: 2013-04-04. Review status: criteria provided, single submitter. Criteria: LMM Criteria. Collection method: clinical testing. Allele origin: germline. Observed: 35 variant alleles.
Comment: Leu103Leu in exon 2 of SMAD3: This variant is not expected to have clinical sign ificance because it does not alter an amino acid residue and is not located with in the splice consensus sequence. It has been identified in 12.7% (560/4402) of African American chromosomes from a broad population by the NHLBI Exome Sequenci ng Project (dbSNP rs1065080).

GeneDx
Classification: Benign. Last evaluated: 2012-11-02. Review status: criteria provided, single submitter. Criteria: GeneDx Variant Classification (06012015). Collection method: clinical testing. Allele origin: germline. Affected: yes.
Comment: This variant is considered likely benign or benign based on one or more of the following criteria: it is a conservative change, it occurs at a poorly conserved position in the protein, it is predicted to be benign by multiple in silico algorithms, and/or has population frequency not consistent with disease.

Breakthrough Genomics
Classification: Benign. Review status: criteria provided, single submitter. Criteria: ACMG Guidelines, 2015. Collection method: not provided. Allele origin: germline. Inheritance: Autosomal dominant inheritance. Affected: yes.

PreventionGenetics, part of Exact Sciences
Classification: Benign. Review status: criteria provided, single submitter. Criteria: ACMG Guidelines, 2015. Collection method: clinical testing. Allele origin: germline.

Cohesion Phenomics
Classification: Benign for Thoracic aortic aneurysm. Last evaluated: 2022-09-23. Review status: no assertion criteria provided. Criteria: ACMG Guidelines, 2015. Collection method: clinical testing. Allele origin: germline. Affected: yes. Not counted in ClinVar's aggregate classification.

Clinical Genetics DNA and cytogenetics Diagnostics Lab, Erasmus MC, Erasmus Medical Center
Classification: Benign. Review status: no assertion criteria provided. Collection method: clinical testing. Allele origin: germline. Affected: yes. Study: VKGL Data-share Consensus. Not counted in ClinVar's aggregate classification.

Diagnostic Laboratory, Department of Genetics, University Medical Center Groningen
Classification: Benign. Review status: no assertion criteria provided. Collection method: clinical testing. Allele origin: germline. Affected: yes. Study: VKGL Data-share Consensus. Not counted in ClinVar's aggregate classification.

Genome Diagnostics Laboratory, Amsterdam University Medical Center
Classification: Benign. Review status: no assertion criteria provided. Collection method: clinical testing. Allele origin: germline. Affected: yes. Study: VKGL Data-share Consensus. Not counted in ClinVar's aggregate classification.

NM_005902.4(SMAD3):c.309A>G (p.Leu103=)

Gene: SMAD3 (SMAD family member 3; plus strand). Cytogenetic location: 15q22.33.
Variant type: single nucleotide variant.
Coding change: c.309A>G on transcript NM_005902.4 (MANE Select); coding-DNA position 309, A replaced by G.
Protein change: p.Leu103=; no amino-acid change (leucine 103 retained).
Molecular consequence: synonymous variant. On other transcripts: 5 prime UTR variant (1).
Genome position (GRCh38, 1-based): chr15:67,164,997, A>G. VCF-style: chr15-67164997-A-G. GRCh37 (hg19) VCF-style: chr15-67457335-A-G.
Other names: p.L103L:CTA>CTG; p.Leu103=; c.-7A>G (NM_001145102.2); c.177A>G, p.Leu59= (NM_001145103.2).
Identifiers: ClinVar variation 139217 (VCV000139217.60), dbSNP rs1065080, ClinGen allele CA019603.